The following is an entry in ClinVar:

NM_001844.5(COL2A1):c.2734-5_2734-3del

Gene: COL2A1 (collagen type II alpha 1 chain; minus strand). Cytogenetic location: 12q13.11.
Variant type: Deletion.
Coding change: c.2734-5_2734-3del on transcript NM_001844.5 (MANE Select); 5 bases into the intron before coding-DNA position 2734 through 3 bases into the intron before coding-DNA position 2734, 3 bases deleted (TCT; older notation c.2734-5_2734-3delTCT).
Molecular consequence: intron variant.
Genome position (GRCh38, 1-based): chr12:47,978,761-47,978,763, AGA deleted on the plus strand (TCT on the coding strand, the reverse complement: COL2A1 is on the minus strand); deleting any 3 consecutive bases within chr12:47,978,761-47,978,765 gives the same sequence; the c. name uses the placement nearest the transcript's 3' end. VCF-style (leftmost placement, unchanged base first): chr12-47978760-TAGA-T. GRCh37 (hg19) VCF-style: chr12-48372543-TAGA-T.
Other names: c.2527-5_2527-3del (NM_033150.3).
Identifiers: ClinVar variation 2879163 (VCV002879163.3), dbSNP rs1938874255, ClinGen allele CA947352241.

ClinVar aggregate classification (germline): Uncertain significance (1 of 4 stars; one submission).

Submission:

Labcorp Genetics (formerly Invitae), Labcorp
Classification: Uncertain significance. Last evaluated: 2024-07-24. Review status: criteria provided, single submitter. Criteria: Invitae Variant Classification Sherloc (09022015). Collection method: clinical testing. Allele origin: germline.
Comment: This sequence change falls in intron 41 of the COL2A1 gene. It does not directly change the encoded amino acid sequence of the COL2A1 protein. It affects a nucleotide within the consensus splice site. This variant is not present in population databases (gnomAD no frequency). This variant has not been reported in the literature in individuals affected with COL2A1-related conditions. Variants that disrupt the consensus splice site are a relatively common cause of aberrant splicing (PMID: 17576681, 9536098). Algorithms developed to predict the effect of sequence changes on RNA splicing suggest that this variant is not likely to affect RNA splicing. In summary, the available evidence is currently insufficient to determine the role of this variant in disease. Therefore, it has been classified as a Variant of Uncertain Significance.

Literature cited by the submitters: PubMed 17576681; PubMed 9536098.